The following is an entry in ClinVar:

NM_000104.4(CYP1B1):c.818T>G (p.Leu273Arg)

Gene: CYP1B1 (cytochrome P450 family 1 subfamily B member 1; minus strand). Cytogenetic location: 2p22.2.
Variant type: single nucleotide variant.
Coding change: c.818T>G on transcript NM_000104.4 (MANE Select); coding-DNA position 818, T replaced by G.
Protein change: p.Leu273Arg; replaces leucine 273 with arginine.
Molecular consequence: missense variant.
Genome position (GRCh38, 1-based): chr2:38,074,571, A>C on the plus strand (T>G on the coding strand, the complement: CYP1B1 is on the minus strand). VCF-style: chr2-38074571-A-C. GRCh37 (hg19) VCF-style: chr2-38301714-A-C.
Other names: short protein forms L273R.
Identifiers: ClinVar variation 643398 (VCV000643398.13), dbSNP rs1357141706, ClinGen allele CA346328442.

ClinVar aggregate classification (germline): Uncertain significance. Review status: criteria provided, multiple submitters, no conflicts (2 of 4 stars). 2 submissions from 2 submitters: Uncertain significance (2). Last evaluated 2026-01-21.

Conditions:
Congenital glaucoma. Identifiers: MedGen C0020302, MONDO:0020366.
Inborn genetic diseases. Identifiers: MedGen C0950123, MeSH D030342.

Allele frequency attached by ClinVar (database versions not stated): gnomAD exomes below 0.00001; gnomAD 0.00001.
gnomAD v4.1: 10 of 1,611,150 alleles (0.00062%); no homozygotes.

Submissions (2):

Labcorp Genetics (formerly Invitae), Labcorp
Classification: Uncertain significance for Congenital glaucoma. Last evaluated: 2026-01-21. Review status: criteria provided, single submitter. Criteria: Invitae Variant Classification Sherloc (09022015). Collection method: clinical testing. Allele origin: germline.
Comment: This sequence change replaces leucine, which is neutral and non-polar, with arginine, which is basic and polar, at codon 273 of the CYP1B1 protein (p.Leu273Arg). This variant is present in population databases (no rsID available, gnomAD 0.01%). This variant has not been reported in the literature in individuals affected with CYP1B1-related conditions. ClinVar contains an entry for this variant (Variation ID: 643398). Invitae Evidence Modeling of protein sequence and biophysical properties (such as structural, functional, and spatial information, amino acid conservation, physicochemical variation, residue mobility, and thermodynamic stability) indicates that this missense variant is not expected to disrupt CYP1B1 protein function with a negative predictive value of 80%. In summary, the available evidence is currently insufficient to determine the role of this variant in disease. Therefore, it has been classified as a Variant of Uncertain Significance.

Ambry Genetics
Classification: Uncertain significance for Inborn genetic diseases. Last evaluated: 2021-07-09. Review status: criteria provided, single submitter. Criteria: Ambry Variant Classification Scheme 2023. Collection method: clinical testing. Allele origin: germline.